The following is an entry in ClinVar:

NM_000046.5(ARSB):c.310C>T (p.Gln104Ter)

Genes: ARSB (arylsulfatase B; minus strand), LOC129994126 (ATAC-STARR-seq lymphoblastoid silent region 16127; plus strand). Cytogenetic location: 5q14.1.
Variant type: single nucleotide variant.
Coding change: c.310C>T on transcript NM_000046.5 (MANE Select); coding-DNA position 310, C replaced by T.
Protein change: p.Gln104Ter; replaces glutamine 104 with a stop codon.
Molecular consequence: nonsense.
Genome position (GRCh38, 1-based): chr5:78,984,939, G>A on the plus strand (C>T on the coding strand, the complement: ARSB is on the minus strand). VCF-style: chr5-78984939-G-A. GRCh37 (hg19) VCF-style: chr5-78280762-G-A.
Other names: c.310C>T, p.Gln104Ter (NM_198709.3); short protein forms Q104*.
Identifiers: ClinVar variation 952974 (VCV000952974.8), dbSNP rs1753093650, ClinGen allele CA360196290.
Genomic context (GRCh38, chr5:78,984,939, plus strand): 5'-GCAGGGCGCCGGCGAAAGGCGGGGCGGGGGCGGCGCGGGCGGCGGGGGCGCCGCGTACCT[G>A]GTAGCGGCCAGTGAGCAGCTGGCTCCGCGACGGCGTGCACAGCGGCTGCGTGTAGTAGTT-3'

ClinVar aggregate classification (germline): Pathogenic (1 of 4 stars; one submission).

Conditions:
Mucopolysaccharidosis type 6 (MPS6). Also called: N-ACETYLGALACTOSAMINE-4-SULFATASE DEFICIENCY; ARSB DEFICIENCY; ARYLSULFATASE B DEFICIENCY; MPS 6; Maroteaux Lamy syndrome; MPS VI. Identifiers: Orphanet 583, MedGen C0026709, MONDO:0009661, OMIM 253200.

gnomAD v4.1: 1 of 1,412,524 alleles (0.000071%); no homozygotes.

Submission:

Labcorp Genetics (formerly Invitae), Labcorp
Classification: Pathogenic for Mucopolysaccharidosis type 6. Last evaluated: 2021-12-17. Review status: criteria provided, single submitter. Criteria: Invitae Variant Classification Sherloc (09022015). Collection method: clinical testing. Allele origin: germline.
Comment: This sequence change creates a premature translational stop signal (p.Gln104*) in the ARSB gene. It is expected to result in an absent or disrupted protein product. Loss-of-function variants in ARSB are known to be pathogenic (PMID: 17458871, 22133300). This variant is not present in population databases (gnomAD no frequency). This premature translational stop signal has been observed in individual(s) with mucopolysaccharidosis type VI (Invitae). ClinVar contains an entry for this variant (Variation ID: 952974). For these reasons, this variant has been classified as Pathogenic.

Literature cited by the submitters: PubMed 17458871; PubMed 22133300.